The following is an entry in ClinVar:

NM_000064.4(C3):c.1663G>A (p.Val555Ile)

Gene: C3 (complement C3; minus strand). Cytogenetic location: 19p13.3.
Variant type: single nucleotide variant.
Coding change: c.1663G>A on transcript NM_000064.4 (MANE Select); coding-DNA position 1663, G replaced by A.
Protein change: p.Val555Ile; replaces valine 555 with isoleucine.
Molecular consequence: missense variant.
Genome position (GRCh38, 1-based): chr19:6,710,662, C>T on the plus strand (G>A on the coding strand, the complement: C3 is on the minus strand). VCF-style: chr19-6710662-C-T. GRCh37 (hg19) VCF-style: chr19-6710673-C-T.
Other names: short protein forms V555I.
Identifiers: ClinVar variation 916332 (VCV000916332.44), dbSNP rs1207853305, ClinGen allele CA403640248.

ClinVar aggregate classification (germline): Uncertain significance. Review status: criteria provided, multiple submitters, no conflicts (2 of 4 stars). 3 submissions from 3 submitters: Uncertain significance (3). Last evaluated 2025-09-30.

Conditions:
Atypical hemolytic-uremic syndrome. Identifiers: Orphanet 2134, MedGen C2931788, MONDO:0016244.

Allele frequency attached by ClinVar (database versions not stated): gnomAD 0.00001; gnomAD exomes 0.00001.
gnomAD v4.1: 8 of 1,613,032 alleles (0.0005%); highest among the groups gnomAD compares: Non-Finnish European, 0.00068%; no homozygotes.

Submissions (3):

Genomenon, Inc
Classification: Uncertain significance for Atypical hemolytic-uremic syndrome. Last evaluated: 2025-09-30. Review status: criteria provided, single submitter. Criteria: Genomenon Sequence Variant Interpretation Standards. Collection method: curation. Allele origin: germline. Affected: yes.
Comment: C3 p.Val555Ile (c.1663G>A) is a missense variant that changes the amino acid at residue 555 from Valine to Isoleucine. This variant has been observed in at least one proband affected with atypical hemolytic-uremic syndrome (PMID:29511899). It is absent or not present at a significant frequency in gnomAD. In conclusion, we classify C3 p.Val555Ile (c.1663G>A) as a variant of unknown significance.

Labcorp Genetics (formerly Invitae), Labcorp
Classification: Uncertain significance. Last evaluated: 2023-10-22. Review status: criteria provided, single submitter. Criteria: Invitae Variant Classification Sherloc (09022015). Collection method: clinical testing. Allele origin: germline.
Comment: This sequence change replaces valine, which is neutral and non-polar, with isoleucine, which is neutral and non-polar, at codon 555 of the C3 protein (p.Val555Ile). This variant is present in population databases (no rsID available, gnomAD 0.007%). This variant has not been reported in the literature in individuals affected with C3-related conditions. ClinVar contains an entry for this variant (Variation ID: 916332). Advanced modeling of protein sequence and biophysical properties (such as structural, functional, and spatial information, amino acid conservation, physicochemical variation, residue mobility, and thermodynamic stability) performed at Invitae indicates that this missense variant is not expected to disrupt C3 protein function. In summary, the available evidence is currently insufficient to determine the role of this variant in disease. Therefore, it has been classified as a Variant of Uncertain Significance.

CeGaT Center for Human Genetics Tuebingen
Classification: Uncertain significance. Last evaluated: 2020-02-01. Review status: criteria provided, single submitter. Criteria: CeGaT Center For Human Genetics Tuebingen Variant Classification Criteria Version 2. Collection method: clinical testing. Allele origin: germline. Affected: yes. Observed: 1 variant allele.

Literature cited by the submitters: PubMed 29511899 (cited by Genomenon, Inc).